The following is an entry in ClinVar:

NM_001199107.2(TBC1D24):c.1471C>T (p.Pro491Ser)

Gene: TBC1D24 (TBC1 domain family member 24; plus strand). Cytogenetic location: 16p13.3.
Variant type: single nucleotide variant.
Coding change: c.1471C>T on transcript NM_001199107.2 (MANE Select); coding-DNA position 1471, C replaced by T.
Protein change: p.Pro491Ser; replaces proline 491 with serine.
Molecular consequence: missense variant.
Genome position (GRCh38, 1-based): chr16:2,500,436, C>T. VCF-style: chr16-2500436-C-T. GRCh37 (hg19) VCF-style: chr16-2550437-C-T.
Other names: c.1453C>T, p.Pro485Ser (NM_020705.3); short protein forms P491S, P485S.
Identifiers: ClinVar variation 1345253 (VCV001345253.8), dbSNP rs1326854687, ClinGen allele CA394381133.

ClinVar aggregate classification (germline): Uncertain significance (1 of 4 stars; one submission).

Conditions:
Developmental and epileptic encephalopathy, 1 (DEE1). Also called: X-linked infantile spasms; West's syndrome; Tonic spasms with clustering, arrest of psychomotor development and hypsarrhythmia on EEG; X-Linked Infantile Spasm Syndrome; OHTAHARA SYNDROME, X-LINKED; INFANTILE SPASM SYNDROME, X-LINKED 1. Identifiers: MedGen C3463992, MONDO:0010632, OMIM 308350. Disease mechanism: loss of function.
Autosomal dominant nonsyndromic hearing loss 65. Also called: TBC1D24-Related Autosomal Dominant Nonsyndromic Hearing Loss (DFNA); Deafness, autosomal dominant 65. Identifiers: Orphanet 90635, MedGen C3892048, MONDO:0014470, OMIM 616044.

Allele frequency attached by ClinVar (database versions not stated): TOPMed 0.00001.
gnomAD v4.1: 1 of 1,601,186 alleles (0.000062%); no homozygotes.

Submission:

Labcorp Genetics (formerly Invitae), Labcorp
Classification: Uncertain significance for Developmental and epileptic encephalopathy, 1; Autosomal dominant nonsyndromic hearing loss 65. Last evaluated: 2020-11-19. Review status: criteria provided, single submitter. Criteria: Invitae Variant Classification Sherloc (09022015). Collection method: clinical testing. Allele origin: germline.
Comment: In summary, the available evidence is currently insufficient to determine the role of this variant in disease. Therefore, it has been classified as a Variant of Uncertain Significance. Algorithms developed to predict the effect of missense changes on protein structure and function are either unavailable or do not agree on the potential impact of this missense change (SIFT: "Tolerated"; PolyPhen-2: "Probably Damaging"; Align-GVGD: "Class C0"). This variant has not been reported in the literature in individuals with TBC1D24-related conditions. This variant is not present in population databases (ExAC no frequency). This sequence change replaces proline with serine at codon 491 of the TBC1D24 protein (p.Pro491Ser). The proline residue is moderately conserved and there is a moderate physicochemical difference between proline and serine.